The following is an entry in ClinVar:

ClinVar aggregate classification (germline): Uncertain significance. Review status: criteria provided, multiple submitters, no conflicts (2 of 4 stars). 3 submissions from 3 submitters: Uncertain significance (3). Last evaluated 2025-11-18.

Conditions:
Cardiovascular phenotype. Identifiers: MedGen CN230736.

Allele frequency attached by ClinVar (database versions not stated): TOPMed 0.00003; gnomAD 0.00005; ESP Exome Variant Server 0.00008.
gnomAD v4.1: 29 of 1,606,628 alleles (0.0018%); highest among the groups gnomAD compares: Non-Finnish European, 0.0023%; no homozygotes.

Submissions (3):

Labcorp Genetics (formerly Invitae), Labcorp
Classification: Uncertain significance. Last evaluated: 2025-11-18. Review status: criteria provided, single submitter. Criteria: Invitae Variant Classification Sherloc (09022015). Collection method: clinical testing. Allele origin: germline.
Comment: This sequence change replaces alanine, which is neutral and non-polar, with threonine, which is neutral and polar, at codon 176 of the APOA1 protein (p.Ala176Thr). This variant is present in population databases (rs146623682, gnomAD 0.006%). This variant has not been reported in the literature in individuals affected with APOA1-related conditions. ClinVar contains an entry for this variant (Variation ID: 1305499). Invitae Evidence Modeling of protein sequence and biophysical properties (such as structural, functional, and spatial information, amino acid conservation, physicochemical variation, residue mobility, and thermodynamic stability) indicates that this missense variant is not expected to disrupt APOA1 protein function with a negative predictive value of 95%. In summary, the available evidence is currently insufficient to determine the role of this variant in disease. Therefore, it has been classified as a Variant of Uncertain Significance.

Ambry Genetics
Classification: Uncertain significance for Cardiovascular phenotype. Last evaluated: 2020-07-29. Review status: criteria provided, single submitter. Criteria: Ambry Variant Classification Scheme 2023. Collection method: clinical testing. Allele origin: germline.
Comment: The p.A176T variant (also known as c.526G>A), located in coding exon 3 of the APOA1 gene, results from a G to A substitution at nucleotide position 526. The alanine at codon 176 is replaced by threonine, an amino acid with similar properties. This amino acid position is poorly conserved in available vertebrate species. In addition, this alteration is predicted to be tolerated by in silico analysis. Since supporting evidence is limited at this time, the clinical significance of this alteration remains unclear.

GeneDx
Classification: Uncertain significance. Last evaluated: 2019-02-06. Review status: criteria provided, single submitter. Criteria: GeneDx Variant Classification Process June 2021. Collection method: clinical testing. Allele origin: germline. Affected: yes.
Comment: Not observed at a significant frequency in large population cohorts (Lek et al., 2016); In silico analysis, which includes protein predictors and evolutionary conservation, supports that this variant does not alter protein structure/function; Has not been previously published as pathogenic or benign to our knowledge

NM_000039.3(APOA1):c.526G>A (p.Ala176Thr)

Gene: APOA1 (apolipoprotein A1; minus strand). Cytogenetic location: 11q23.3.
Variant type: single nucleotide variant.
Coding change: c.526G>A on transcript NM_000039.3 (MANE Select); coding-DNA position 526, G replaced by A.
Protein change: p.Ala176Thr; replaces alanine 176 with threonine.
Molecular consequence: missense variant.
Genome position (GRCh38, 1-based): chr11:116,836,086, C>T on the plus strand (G>A on the coding strand, the complement: APOA1 is on the minus strand). VCF-style: chr11-116836086-C-T. GRCh37 (hg19) VCF-style: chr11-116706802-C-T.
Other names: c.526G>A, p.Ala176Thr (NM_001318017.2, NM_001318018.2); c.199G>A, p.Ala67Thr (NM_001318021.2); short protein forms A176T, A67T.
Identifiers: ClinVar variation 1305499 (VCV001305499.8), dbSNP rs146623682, ClinGen allele CA6289790.
Genomic context (GRCh38, chr11:116,836,086, plus strand): 5'-GGCGCAGCTCGTCGCTGTAGGGGGCCAGATGCGTGCGCAGCGCGTCCACATGGGCGCGCG[C>T]GCGGTCGCGCATCTCCTCGCCCAGTGGGCTCAGCTTCTCTTGCAGCTCGTGCAGCTTCTG-3'
Protein context (NP_000030.1, residues 166-186): SPLGEEMRDR[Ala176Thr]RAHVDALRTH